The following is an entry in ClinVar:

NM_005751.5(AKAP9):c.1037T>C (p.Leu346Pro)

Gene: AKAP9 (A-kinase anchoring protein 9; plus strand). Cytogenetic location: 7q21.2.
Variant type: single nucleotide variant.
Coding change: c.1037T>C on transcript NM_005751.5 (MANE Select); coding-DNA position 1037, T replaced by C.
Protein change: p.Leu346Pro; replaces leucine 346 with proline.
Molecular consequence: missense variant.
Genome position (GRCh38, 1-based): chr7:92,000,954, T>C. VCF-style: chr7-92000954-T-C. GRCh37 (hg19) VCF-style: chr7-91630268-T-C.
Other names: c.1037T>C, p.Leu346Pro (NM_147185.3); short protein forms L346P.
Identifiers: ClinVar variation 1772984 (VCV001772984.8), dbSNP rs1584033976, ClinGen allele CA368120864.
Genomic context (GRCh38, chr7:92,000,954, plus strand): 5'-AAAAGGAGACAATCATTGAAGAATTAAACACAAAAATAATAGAAGAAGAAAAGAAAACTC[T>C]TGAGCTAAAGGATAAATTAACAACTGCTGATAAATTACTAGGAGAATTACAAGAACAGAT-3'
Protein context (NP_005742.4, residues 336-356): TKIIEEEKKT[Leu346Pro]ELKDKLTTAD

ClinVar aggregate classification (germline): Uncertain significance. Review status: criteria provided, multiple submitters, no conflicts (2 of 4 stars). 2 submissions from 2 submitters: Uncertain significance (2). Last evaluated 2025-08-31.

Conditions:
Cardiovascular phenotype. Identifiers: MedGen CN230736.
Long QT syndrome (LQTS). Identifiers: MedGen C0023976, MeSH D008133, MONDO:0002442. Disease mechanism: loss of function. Inheritance: Various modes of inheritance.

Allele frequency attached by ClinVar (database versions not stated): gnomAD exomes below 0.00001; TOPMed below 0.00001; gnomAD 0.00001.
gnomAD v4.1: 2 of 1,517,848 alleles (0.00013%); highest among the groups gnomAD compares: African/African-American, 0.0028%; no homozygotes.

Submissions (2):

Ambry Genetics
Classification: Uncertain significance for Cardiovascular phenotype. Last evaluated: 2025-08-31. Review status: criteria provided, single submitter. Criteria: Ambry Variant Classification Scheme 2023. Collection method: clinical testing. Allele origin: germline.

Labcorp Genetics (formerly Invitae), Labcorp
Classification: Uncertain significance for Long QT syndrome. Last evaluated: 2022-03-31. Review status: criteria provided, single submitter. Criteria: Invitae Variant Classification Sherloc (09022015). Collection method: clinical testing. Allele origin: germline.
Comment: In summary, the available evidence is currently insufficient to determine the role of this variant in disease. Therefore, it has been classified as a Variant of Uncertain Significance. Algorithms developed to predict the effect of missense changes on protein structure and function are either unavailable or do not agree on the potential impact of this missense change (SIFT: "Tolerated"; PolyPhen-2: "Possibly Damaging"; Align-GVGD: "Class C0"). This variant has not been reported in the literature in individuals affected with AKAP9-related conditions. This variant is not present in population databases (gnomAD no frequency). This sequence change replaces leucine, which is neutral and non-polar, with proline, which is neutral and non-polar, at codon 346 of the AKAP9 protein (p.Leu346Pro).